The following is an entry in ClinVar:

ClinVar aggregate classification (germline): Uncertain significance. Review status: criteria provided, multiple submitters, no conflicts (2 of 4 stars). 2 submissions from 2 submitters: Uncertain significance (2). Last evaluated 2025-06-07.

Conditions:
PKD1-related disorder. Also called: PKD1-related condition.

Submissions (2):

PreventionGenetics, part of Exact Sciences
Classification: Uncertain significance for PKD1-related condition. Last evaluated: 2025-06-07. Review status: criteria provided, single submitter. Criteria: ACMG Guidelines, 2015. Collection method: clinical testing. Allele origin: germline.
Comment: The PKD1 c.11178G>C variant is predicted to result in the amino acid substitution p.Trp3726Cys. To our knowledge, this variant has not been reported in the literature or in a large population database (gnomAD), indicating this variant is rare. Different substitutions at the same codon were reported in individuals with autosomal dominant polycystic kidney disease (ADPKD) (p.Trp3726Ser reported as p.W3725S in Tan et al. 2009. PubMed ID: 18837007; p.Trp3726Arg reported as p.Trp3725Arg and de novo in Reed et al. 2008. PubMed ID: 18640754). Although we suspect that the c.11178G>C (p.Trp3726Cys) variant is pathogenic, at this time, the clinical significance of this variant is uncertain due to the absence of conclusive functional and genetic evidence.

GeneDx
Classification: Uncertain significance. Last evaluated: 2022-01-26. Review status: criteria provided, single submitter. Criteria: GeneDx Variant Classification Process June 2021. Collection method: clinical testing. Allele origin: germline. Affected: yes.
Comment: Not observed in large population cohorts (gnomAD); In silico analysis supports that this missense variant has a deleterious effect on protein structure/function; Has not been previously published as pathogenic or benign to our knowledge

NM_001009944.3(PKD1):c.11178G>C (p.Trp3726Cys)

Genes: PKD1 (polycystin 1, transient receptor potential channel interacting; minus strand), PKD1-AS1 (PKD1 antisense RNA 1; plus strand). Cytogenetic location: 16p13.3.
Variant type: single nucleotide variant.
Coding change: c.11178G>C on transcript NM_001009944.3 (MANE Select); coding-DNA position 11178, G replaced by C.
Protein change: p.Trp3726Cys; replaces tryptophan 3726 with cysteine.
Molecular consequence: missense variant.
Genome position (GRCh38, 1-based): chr16:2,092,571, C>G on the plus strand (G>C on the coding strand, the complement: PKD1 is on the minus strand). VCF-style: chr16-2092571-C-G. GRCh37 (hg19) VCF-style: chr16-2142572-C-G.
Other names: c.11175G>C, p.Trp3725Cys (NM_000296.4); short protein forms W3725C, W3726C.
Identifiers: ClinVar variation 1341617 (VCV001341617.3), dbSNP rs2091645594, ClinGen allele CA394336447.